The following is an entry in ClinVar:

NM_024334.3(TMEM43):c.971del (p.Asn324fs)

Gene: TMEM43 (transmembrane protein 43; plus strand). Cytogenetic location: 3p25.1.
Variant type: Deletion.
Coding change: c.971del on transcript NM_024334.3 (MANE Select); coding-DNA position 971, one base deleted (A; older notation c.971delA).
Protein change: p.Asn324fs; shifts the reading frame from asparagine 324.
Molecular consequence: frameshift variant.
Genome position (GRCh38, 1-based): chr3:14,139,268, A deleted; the last of 2 consecutive A bases (chr3:14,139,267-14,139,268); deleting either gives the same sequence. VCF-style (leftmost placement, unchanged base first): chr3-14139266-CA-C. GRCh37 (hg19) VCF-style: chr3-14180766-CA-C.
Other names: c.971delA (NM_024334.2); short protein forms N324fs.
Identifiers: ClinVar variation 534757 (VCV000534757.12), dbSNP rs1553603465, ClinGen allele CA658796248.
Genomic context (GRCh38, chr3:14,139,266, plus strand): 5'-CAACTCCATGAAGACCTGGGGCCTGCGGGCAGCTGGCTGGATGGCCATGTTCATGGGCCT[CA>C]ACCTTATGACACGGATCCTCTACACCTTGGGTAGGTGTTGGGGTGGGTCACTGCCCTCCC-3'

ClinVar aggregate classification (germline): Uncertain significance. Review status: criteria provided, multiple submitters, no conflicts (2 of 4 stars). 4 submissions from 4 submitters: Uncertain significance (4). Last evaluated 2025-09-10.

Conditions:
Cardiovascular phenotype. Identifiers: MedGen CN230736.
Arrhythmogenic right ventricular dysplasia 5. Also called: Arrhythmogenic Right Ventricular Dysplasia/Cardiomyopathy 5; ARRHYTHMOGENIC RIGHT VENTRICULAR DYSPLASIA, FAMILIAL, 5. Identifiers: MedGen C1858379, MONDO:0011459, OMIM 604400.
Cardiomyopathy (CMYO). Also called: Cardiomyopathies. Identifiers: Orphanet 167848, MedGen C0878544, MONDO:0004994, HP:0001638. Inheritance: Various modes of inheritance.

Submissions (4):

Color Diagnostics, LLC DBA Color Health
Classification: Uncertain significance for Cardiomyopathy. Last evaluated: 2025-09-10. Review status: criteria provided, single submitter. Criteria: ACMG Guidelines, 2015. Collection method: clinical testing. Allele origin: germline.
Comment: This variant deletes 1 nucleotide in exon 11 of the TMEM43 gene, creating a frameshift and premature translation stop signal. This variant is expected to result in an absent or non-functional protein product. To our knowledge, this variant has not been reported in individuals affected with TMEM43-associated disorders in the literature. This variant has not been identified in the general population by the Genome Aggregation Database (gnomAD). Clinical relevance of loss-of-function variants in the TMEM43 gene is not clearly established. The available evidence is insufficient to determine the role of this variant in disease conclusively. Therefore, this variant is classified as a Variant of Uncertain Significance.

Labcorp Genetics (formerly Invitae), Labcorp
Classification: Uncertain significance for Arrhythmogenic right ventricular dysplasia 5. Last evaluated: 2024-04-16. Review status: criteria provided, single submitter. Criteria: Invitae Variant Classification Sherloc (09022015). Collection method: clinical testing. Allele origin: germline.
Comment: This sequence change creates a premature translational stop signal (p.Asn324Thrfs*3) in the TMEM43 gene. While this is not anticipated to result in nonsense mediated decay, it is expected to disrupt the last 77 amino acid(s) of the TMEM43 protein. This variant is not present in population databases (gnomAD no frequency). This variant has not been reported in the literature in individuals affected with TMEM43-related conditions. ClinVar contains an entry for this variant (Variation ID: 534757). Experimental studies and prediction algorithms are not available or were not evaluated, and the functional significance of this variant is currently unknown. In summary, the available evidence is currently insufficient to determine the role of this variant in disease. Therefore, it has been classified as a Variant of Uncertain Significance.

All of Us Research Program, National Institutes of Health
Classification: Uncertain significance for Arrhythmogenic right ventricular dysplasia 5. Last evaluated: 2023-10-02. Review status: criteria provided, single submitter. Criteria: ACMG Guidelines, 2015. Collection method: clinical testing. Allele origin: germline. Inheritance: Autosomal dominant inheritance. Observed: 3 variant alleles, 3 heterozygotes.
Comment: This variant deletes 1 nucleotide in exon 11 of the TMEM43 gene, creating a frameshift and premature translation stop signal. This variant is expected to result in an absent or non-functional protein product. To our knowledge, this variant has not been reported in individuals affected with cardiovascular disorders in the literature. This variant has not been identified in the general population by the Genome Aggregation Database (gnomAD). Clinical relevance of loss-of-function truncation and splice variants in the TMEM43 gene is not clearly established. The available evidence is insufficient to determine the role of this variant in disease conclusively. Therefore, this variant is classified as a Variant of Uncertain Significance.

This study involves interpretation of variants in research participants for the purpose of population health screening. Participant phenotype was not available at the time of variant classification. Additional details can be found in publication PMID: 35346344, PMCID: PMC8962531

Ambry Genetics
Classification: Uncertain significance for Cardiovascular phenotype. Last evaluated: 2022-09-08. Review status: criteria provided, single submitter. Criteria: Ambry Variant Classification Scheme 2023. Collection method: clinical testing. Allele origin: germline.
Comment: The c.971delA variant, located in coding exon 11 of the TMEM43 gene, results from a deletion of one nucleotide at nucleotide position 971, causing a translational frameshift with a predicted alternate stop codon (p.N324Tfs*3). This alteration is expected to result in premature protein truncation or nonsense-mediated mRNA decay. However, loss of function of TMEM43 has not been clearly established as a mechanism of disease. Since supporting evidence is limited at this time, the clinical significance of this alteration remains unclear